The following is an entry in ClinVar:

ClinVar aggregate classification (germline): Conflicting classifications of pathogenicity. Review status: criteria provided, conflicting classifications (1 of 4 stars). 2 submissions from 2 submitters: Uncertain significance (1); Benign (1). Last evaluated 2023-11-17.

Conditions:
Hereditary nonpolyposis colorectal neoplasms. Identifiers: MedGen C0009405, MeSH D003123.

Allele frequency attached by ClinVar (database versions not stated): gnomAD exomes below 0.00001.
gnomAD v4.1: 2 of 1,612,640 alleles (0.00012%); highest among the groups gnomAD compares: South Asian, 0.0011%; no homozygotes.

Submissions (2):

Labcorp Genetics (formerly Invitae), Labcorp
Classification: Uncertain significance for Hereditary nonpolyposis colorectal neoplasms. Last evaluated: 2023-11-17. Review status: criteria provided, single submitter. Criteria: Invitae Variant Classification Sherloc (09022015). Collection method: clinical testing. Allele origin: germline.
Comment: This sequence change replaces serine, which is neutral and polar, with threonine, which is neutral and polar, at codon 6 of the PMS2 protein (p.Ser6Thr). This variant is present in population databases (rs587781112, gnomAD 0.003%). This missense change has been observed in individual(s) with PMS2-related conditions (PMID: 20698049). ClinVar contains an entry for this variant (Variation ID: 138704). Advanced modeling of protein sequence and biophysical properties (such as structural, functional, and spatial information, amino acid conservation, physicochemical variation, residue mobility, and thermodynamic stability) performed at Invitae indicates that this missense variant is not expected to disrupt PMS2 protein function with a negative predictive value of 95%. Experimental studies have shown that this missense change does not substantially affect PMS2 function (PMID: 35451539). In summary, the available evidence is currently insufficient to determine the role of this variant in disease. Therefore, it has been classified as a Variant of Uncertain Significance.

GeneDx
Classification: Benign. Last evaluated: 2013-10-28. Review status: criteria provided, single submitter. Criteria: GeneDx Variant Classification (06012015). Collection method: clinical testing. Allele origin: germline.
Comment: The variant is found in HEREDICANCER,BR-OV-HEREDIC panel(s).

Literature cited by the submitters: PubMed 20698049 (cited by Labcorp Genetics (formerly Invitae), Labcorp); PubMed 35451539 (cited by Labcorp Genetics (formerly Invitae), Labcorp).

NM_000535.7(PMS2):c.17G>C (p.Ser6Thr)

Gene: PMS2 (PMS1 homolog 2, mismatch repair system component; minus strand). Cytogenetic location: 7p22.1.
Variant type: single nucleotide variant.
Coding change: c.17G>C on transcript NM_000535.7 (MANE Select); coding-DNA position 17, G replaced by C.
Protein change: p.Ser6Thr; replaces serine 6 with threonine.
Molecular consequence: missense variant. On other transcripts: 5 prime UTR variant (11), non-coding transcript variant (1).
Genome position (GRCh38, 1-based): chr7:6,009,003, C>G on the plus strand (G>C on the coding strand, the complement: PMS2 is on the minus strand). VCF-style: chr7-6009003-C-G. GRCh37 (hg19) VCF-style: chr7-6048634-C-G.
Other names: c.-384G>C (NM_001322003.2, NM_001322013.2); c.-249G>C (NM_001322004.2, NM_001322010.2); c.-579G>C (NM_001322005.2); c.17G>C, p.Ser6Thr (NM_001322006.2, NM_001322014.2); c.-199G>C (NM_001322007.2); c.-59G>C (NM_001322008.2); c.-574G>C (NM_001322009.2); c.-868G>C (NM_001322011.2); and 2 more; short protein forms S6T.
Identifiers: ClinVar variation 138704 (VCV000138704.3), dbSNP rs587781112, ClinGen allele CA010279.
Genomic context (GRCh38, chr7:6,009,003, plus strand): 5'-GTCTCAAAGAGGGCGCGCGAGAGGGGACACCGGAAGACTGCGAGCCCCGCTCACCTCGAG[C>G]TCTCAGCTCGCTCCATGGATGCAACACCCGATCCGCCTCGGGGACTGGGAAAGTTCCCTC-3'
Protein context (NP_000526.2, residues 1-16): MERAE[Ser6Thr]SSTEPAKAIK